The following is an entry in ClinVar:

ClinVar aggregate classification (germline): Pathogenic (1 of 4 stars; one submission).

Conditions:
Primary ciliary dyskinesia 3. Identifiers: Orphanet 244, MedGen C1837618, MONDO:0012085, OMIM 608644.

Submission:

Myriad Genetics, Inc.
Classification: Pathogenic for Primary ciliary dyskinesia 3. Last evaluated: 2024-12-30. Review status: criteria provided, single submitter. Criteria: Myriad Autosomal Dominant, Autosomal Recessive and X-Linked Classification Criteria (2023). Collection method: clinical testing. Allele origin: unknown.
Comment: NM_001369.2(DNAH5):c.1641delT(H548Ifs*22) is expected to be pathogenic in the context of primary ciliary dyskinesia, DNAH5-related. This variant is predicted to lead to an abnormal or absent protein product due to the creation of a premature termination codon in DNAH5, a gene where loss-of-function variants are known to be pathogenic. Please note: this variant was assessed in the context of healthy population screening.

NM_001369.3(DNAH5):c.1641del (p.His548fs)

Gene: DNAH5 (dynein axonemal heavy chain 5; minus strand). Cytogenetic location: 5p15.2.
Variant type: Deletion.
Coding change: c.1641del on transcript NM_001369.3 (MANE Select); coding-DNA position 1641, one base deleted (T; older notation c.1641delT).
Protein change: p.His548fs; shifts the reading frame from histidine 548.
Molecular consequence: frameshift variant.
Genome position (GRCh38, 1-based): chr5:13,911,389, A deleted on the plus strand (T on the coding strand, the reverse complement: DNAH5 is on the minus strand); the first of 2 consecutive A bases (chr5:13,911,389-13,911,390); deleting either gives the same sequence. VCF-style (leftmost placement, unchanged base first): chr5-13911388-GA-G. GRCh37 (hg19) VCF-style: chr5-13911497-GA-G.
Other names: short protein forms H548fs.
Identifiers: ClinVar variation 5013895 (VCV005013895.1).